The following continues an entry in ClinVar:

NM_000152.5(GAA):c.1048G>A (p.Val350Met)

Gene: GAA. ClinVar aggregate classification (germline): Uncertain significance. Uncertain significance (1).

Submissions 10 to 15 of 15:

Myriad Genetics, Inc.
Classification: Uncertain significance for Glycogen storage disease, type II. Last evaluated: 2021-11-08. Review status: criteria provided, single submitter. Criteria: Myriad Women's Health Autosomal Recessive and X-Linked Classification Criteria (2021). Collection method: clinical testing. Allele origin: unknown. Not counted in ClinVar's aggregate classification.
Comment: NM_000152.3(GAA):c.1048G>A(V350M) is a missense variant classified as a variant of uncertain significance in the context of Pompe disease. V350M has been observed in cases with relevant disease (PMID 25451853, 23430949). Functional assessments of this variant are not available in the literature. V350M has been observed in population frequency databases (gnomAD: FIN 0.05%). In summary, there is insufficient evidence to classify NM_000152.3(GAA):c.1048G>A(V350M) as pathogenic or benign. Please note: this variant was assessed in the context of healthy population screening.

Fulgent Genetics
Classification: Uncertain significance for Glycogen storage disease, type II. Last evaluated: 2021-09-14. Review status: criteria provided, single submitter. Criteria: ACMG Guidelines, 2015. Collection method: clinical testing. Allele origin: unknown. Not counted in ClinVar's aggregate classification.

Genome-Nilou Lab
Classification: Uncertain significance for Glycogen storage disease, type II. Last evaluated: 2021-09-05. Review status: criteria provided, single submitter. Criteria: ACMG Guidelines, 2015. Collection method: clinical testing. Allele origin: germline. Affected: no. Not counted in ClinVar's aggregate classification.

GeneDx
Classification: Uncertain significance. Last evaluated: 2020-11-04. Review status: criteria provided, single submitter. Criteria: GeneDx Variant Classification Process June 2021. Collection method: clinical testing. Allele origin: germline. Affected: yes. Not counted in ClinVar's aggregate classification.
Comment: Reported previously as heterozygous along with another variant in the GAA gene in an asymptomatic adult with decreased alpha glucosidase activity in multiple tissues (Echaniz-Laguna et al., 2015); In silico analysis supports that this missense variant has a deleterious effect on protein structure/function; This variant is associated with the following publications: (PMID: 23430949, 25786784, 24627108, 25451853)

Broad Center for Mendelian Genomics, Broad Institute of MIT and Harvard
Classification: Uncertain significance for Glycogen storage disease, type II. Last evaluated: 2020-01-22. Review status: criteria provided, single submitter. Criteria: ACMG Guidelines, 2015. Collection method: curation. Allele origin: germline. Inheritance: Autosomal recessive inheritance. Not counted in ClinVar's aggregate classification.
Comment: The p.Val350Met variant in GAA has been reported in 2 individuals with glycogen storage disease II (PMID: 25786784, 25451853) and has been identified in 0.04% (11/25122) of European (Finnish) chromosomes, 0.013% (17/128822) of European (non-Finnish) chromosomes, and 0.004% (1/24900) of African chromosomes by the Genome Aggregation Database (gnomAD; dbSNP rs200412003). Although this variant has been seen in the general population, its frequency is low enough to be consistent with a recessive carrier frequency. This variant has also been reported in ClinVar as a VUS by Counsyl and Invitae (VariationID: 555998). Computational prediction tools and conservation analyses suggest that this variant may impact the protein, though this information is not predictive enough to determine pathogenicity. The phenotype of individuals heterozygous for this variant is highly specific for glycogen storage disease II based on GAA enzyme activity in muscle and lymphocytes being <10% of wild type, consistent with disease (PMID: 25786784, 25451853). Additionally, the presence of this variant in combination with reported pathogenic variant c.-32-13T>G and in individuals with glycogen storage disease II slightly increases the likelihood that the p.Val350Met variant is pathogenic. In summary, while there is some suspicion for a pathogenic role, the clinical significance of this variant is uncertain. ACMG/AMP Criteria applied: PM3_supporting, PM2, PP3, PP4 (Richards 2015).

Juno Genomics, Hangzhou Juno Genomics, Inc
Classification: Uncertain significance for Glycogen storage disease, type II. Review status: criteria provided, single submitter. Criteria: ACMG Guidelines, 2015. Collection method: clinical testing. Allele origin: germline. Not counted in ClinVar's aggregate classification.
Comment: Absent from controls (or at extremely low frequency if recessive) in Genome Aggregation Database.;Multiple lines of computational evidence support a deleterious effect on the gene or gene product.;Well-established in vitro or in vivo functional studies supportive of a damaging effect on the gene or gene product.

Literature cited by the submitters: PubMed 36310651 (cited by 3 submitters); PubMed 25451853 (cited by 7 submitters); PubMed 36246652 (cited by 5 submitters); PubMed 23430949 (cited by 4 submitters); PubMed 34995642 (cited by Natera, Inc. and Women's Health and Genetics/Laboratory Corporation of America, LabCorp); PubMed 24627108 (cited by Women's Health and Genetics/Laboratory Corporation of America, LabCorp); PubMed 30155607 (cited by Women's Health and Genetics/Laboratory Corporation of America, LabCorp); PubMed 33073007 (cited by Women's Health and Genetics/Laboratory Corporation of America, LabCorp); PubMed 25786784 (cited by 3 submitters).